The following is an entry in ClinVar:

NM_032193.4(RNASEH2C):c.102C>A (p.Cys34Ter)

Genes: RNASEH2C (ribonuclease H2 subunit C; minus strand), LOC130006061 (ATAC-STARR-seq lymphoblastoid silent region 3553; plus strand). Cytogenetic location: 11q13.1.
Variant type: single nucleotide variant.
Coding change: c.102C>A on transcript NM_032193.4 (MANE Select); coding-DNA position 102, C replaced by A.
Protein change: p.Cys34Ter; replaces cysteine 34 with a stop codon.
Molecular consequence: nonsense.
Genome position (GRCh38, 1-based): chr11:65,720,657, G>T on the plus strand (C>A on the coding strand, the complement: RNASEH2C is on the minus strand). VCF-style: chr11-65720657-G-T. GRCh37 (hg19) VCF-style: chr11-65488128-G-T.
Other names: short protein forms C34*.
Identifiers: ClinVar variation 3355089 (VCV003355089.2).

ClinVar aggregate classification (germline): Likely pathogenic. Review status: criteria provided, single submitter (1 of 4 stars). 2 submissions from 2 submitters: Likely pathogenic (1). 1 of the submissions does not count toward it. Last evaluated 2018-12-13.

Conditions:
RNASEH2C-related disorder. Also called: RNASEH2C-related condition.

gnomAD v4.1: 2 of 1,588,014 alleles (0.00013%); highest among the groups gnomAD compares: Non-Finnish European, 0.00017%; no homozygotes.

Submissions (2):

Blueprint Genetics
Classification: Likely pathogenic for RNASEH2C-related disorders. Last evaluated: 2018-12-13. Review status: criteria provided, single submitter. Criteria: ACMG Guidelines, 2015. Collection method: clinical testing. Allele origin: germline. Affected: yes. Observed: 1 variant allele.

PreventionGenetics, part of Exact Sciences
Classification: Likely pathogenic for RNASEH2C-related condition. Last evaluated: 2024-09-20. Review status: no assertion criteria provided. Collection method: clinical testing. Allele origin: germline. Not counted in ClinVar's aggregate classification.
Comment: The RNASEH2C c.102C>A variant is predicted to result in premature protein termination (p.Cys34*). To our knowledge, this variant has not been reported in the literature or in a large population database, indicating this variant is rare. Nonsense variants in RNASEH2C are expected to be pathogenic. This variant is interpreted as likely pathogenic.